The following is an entry in ClinVar:

ClinVar aggregate classification (germline): Uncertain significance (1 of 4 stars; one submission).

Allele frequency attached by ClinVar (database versions not stated): gnomAD exomes below 0.00001.
gnomAD v4.1: 5 of 1,591,094 alleles (0.00031%); highest among the groups gnomAD compares: Non-Finnish European, 0.00043%; no homozygotes.

Submission:

Labcorp Genetics (formerly Invitae), Labcorp
Classification: Uncertain significance. Last evaluated: 2022-07-06. Review status: criteria provided, single submitter. Criteria: Invitae Variant Classification Sherloc (09022015). Collection method: clinical testing. Allele origin: germline.
Comment: This sequence change affects a donor splice site in intron 2 of the ISCU gene. It is expected to disrupt RNA splicing. Variants that disrupt the donor or acceptor splice site typically lead to a loss of protein function (PMID: 16199547), however the current clinical and genetic evidence is not sufficient to establish whether loss-of-function variants in ISCU cause disease. This variant is not present in population databases (gnomAD no frequency). This variant has not been reported in the literature in individuals affected with ISCU-related conditions. ClinVar contains an entry for this variant (Variation ID: 1373232). Algorithms developed to predict the effect of sequence changes on RNA splicing suggest that this variant may disrupt the consensus splice site. In summary, the available evidence is currently insufficient to determine the role of this variant in disease. Therefore, it has been classified as a Variant of Uncertain Significance.

Literature cited by the submitters: PubMed 16199547.

NM_213595.4(ISCU):c.228+1G>A

Gene: ISCU (iron-sulfur cluster assembly enzyme; plus strand). Cytogenetic location: 12q23.3.
Variant type: single nucleotide variant.
Coding change: c.228+1G>A on transcript NM_213595.4 (MANE Select); the canonical splice donor site of the intron after coding-DNA position 228, G replaced by A.
Molecular consequence: splice donor variant.
Genome position (GRCh38, 1-based): chr12:108,564,393, G>A. VCF-style: chr12-108564393-G-A. GRCh37 (hg19) VCF-style: chr12-108958169-G-A.
Other names: c.153+1G>A (NM_014301.4); c.228+1G>A (NM_001320042.1, NM_001301140.1, NM_001301141.1).
Identifiers: ClinVar variation 1373232 (VCV001373232.3), dbSNP rs111663815, ClinGen allele CA243321611.